The following is an entry in ClinVar:

NM_006017.3(PROM1):c.2181C>G (p.Ile727Met)

Gene: PROM1 (prominin 1; minus strand). Cytogenetic location: 4p15.32.
Variant type: single nucleotide variant.
Coding change: c.2181C>G on transcript NM_006017.3 (MANE Select); coding-DNA position 2181, C replaced by G.
Protein change: p.Ile727Met; replaces isoleucine 727 with methionine.
Molecular consequence: missense variant.
Genome position (GRCh38, 1-based): chr4:15,985,987, G>C on the plus strand (C>G on the coding strand, the complement: PROM1 is on the minus strand). VCF-style: chr4-15985987-G-C. GRCh37 (hg19) VCF-style: chr4-15987610-G-C.
Other names: c.2154C>G, p.Ile718Met (NM_001145847.2, NM_001145848.2, NM_001145851.2 and 4 more transcripts); c.2181C>G, p.Ile727Met (NM_001145849.2, NM_001145850.2); short protein forms I718M, I727M.
Identifiers: ClinVar variation 1003641 (VCV001003641.8), dbSNP rs1719302246, ClinGen allele CA356428301.

ClinVar aggregate classification (germline): Uncertain significance (1 of 4 stars; one submission).

Submission:

Labcorp Genetics (formerly Invitae), Labcorp
Classification: Uncertain significance. Last evaluated: 2022-08-31. Review status: criteria provided, single submitter. Criteria: Invitae Variant Classification Sherloc (09022015). Collection method: clinical testing. Allele origin: germline.
Comment: This sequence change replaces isoleucine, which is neutral and non-polar, with methionine, which is neutral and non-polar, at codon 727 of the PROM1 protein (p.Ile727Met). This variant is not present in population databases (gnomAD no frequency). This variant has not been reported in the literature in individuals affected with PROM1-related conditions. ClinVar contains an entry for this variant (Variation ID: 1003641). Algorithms developed to predict the effect of missense changes on protein structure and function are either unavailable or do not agree on the potential impact of this missense change (SIFT: "Tolerated"; PolyPhen-2: "Possibly Damaging"; Align-GVGD: "Class C0"). In summary, the available evidence is currently insufficient to determine the role of this variant in disease. Therefore, it has been classified as a Variant of Uncertain Significance.